The following is an entry in ClinVar:

NM_024817.3(THSD4):c.377G>T (p.Gly126Val)

Gene: THSD4 (thrombospondin type 1 domain containing 4; plus strand). Cytogenetic location: 15q23.
Variant type: single nucleotide variant.
Coding change: c.377G>T on transcript NM_024817.3 (MANE Select); coding-DNA position 377, G replaced by T.
Protein change: p.Gly126Val; replaces glycine 126 with valine.
Molecular consequence: missense variant.
Genome position (GRCh38, 1-based): chr15:71,215,312, G>T. VCF-style: chr15-71215312-G-T. GRCh37 (hg19) VCF-style: chr15-71507651-G-T.
Other names: c.377G>T, p.Gly126Val (NM_001394532.1); short protein forms G126V.
Identifiers: ClinVar variation 4594938 (VCV004594938.2).
Genomic context (GRCh38, chr15:71,215,312, plus strand): 5'-CGGCGGTGCGCACGTCGGTGCCACTGCACCGGAGCCGCGACGAGACGCCAGCGCTGGCCG[G>T]TACGGACGCCAGCCGCCAGGGCCCCACGGTGCTGCGAGGCAGCCGGCACCCACAGCCCCA-3'
Protein context (NP_079093.2, residues 116-136): RSRDETPALA[Gly126Val]TDASRQGPTV

ClinVar aggregate classification (germline): Uncertain significance. Review status: criteria provided, multiple submitters, no conflicts (2 of 4 stars). 2 submissions from 2 submitters: Uncertain significance (2). Last evaluated 2025-12-30.

Conditions:
Aortic aneurysm, familial thoracic 12. Identifiers: MedGen C5676959, MONDO:0030731, OMIM 619825.

gnomAD v4.1: 3 of 1,529,172 alleles (0.0002%); highest among the groups gnomAD compares: South Asian, 0.0024%; no homozygotes.

Submissions (2):

3billion
Classification: Uncertain significance for Aortic aneurysm, familial thoracic 12. Last evaluated: 2025-12-30. Review status: criteria provided, single submitter. Criteria: ACMG Guidelines, 2015. Collection method: clinical testing. Allele origin: germline. Affected: yes.
Comment: The variant is observed at an extremely low frequency in the gnomAD v4.1.0 dataset (total allele frequency: <0.001%). Predicted Consequence/Location: Missense variant. The majority of the known disease-causing variants of this gene are variants expected to result in premature termination of the protein. In silico tools predict the variant to alter splicing and produce an abnormal transcript [SpliceAI: 0.32 (>=0.2, moderate evidence for spliceogenicity)]. Therefore, this variant is classified as VUS according to the recommendation of ACMG/AMP guideline.

Ambry Genetics
Classification: Uncertain significance. Last evaluated: 2025-12-11. Review status: criteria provided, single submitter. Criteria: Ambry Variant Classification Scheme 2023. Collection method: clinical testing. Allele origin: germline.